The following is an entry in ClinVar:

ClinVar aggregate classification (germline): Conflicting classifications of pathogenicity. Review status: criteria provided, conflicting classifications (1 of 4 stars). 2 submissions from 2 submitters: Likely pathogenic (1); Uncertain significance (1). Last evaluated 2024-02-27.

Conditions:
Mitochondrial complex I deficiency, nuclear type 30. Also called: Mitochondrial complex 1 deficiency, nuclear type 30. Identifiers: MedGen C4746985, MONDO:0026721, OMIM 301021.

Allele frequency attached by ClinVar (database versions not stated): TOPMed below 0.00001; gnomAD exomes 0.00002.

Submissions (2):

Service de Génétique Médicale, Centre Hospitalier Universitaire de Nice-Université Côte d'Azur
Classification: Likely pathogenic for Mitochondrial complex I deficiency, nuclear type 30. Last evaluated: 2024-02-27. Review status: criteria provided, single submitter. Criteria: ACMG Guidelines, 2015. Collection method: clinical testing. Allele origin: germline. Affected: yes.

Labcorp Genetics (formerly Invitae), Labcorp
Classification: Uncertain significance. Last evaluated: 2022-10-13. Review status: criteria provided, single submitter. Criteria: Invitae Variant Classification Sherloc (09022015). Collection method: clinical testing. Allele origin: germline.
Comment: In summary, the available evidence is currently insufficient to determine the role of this variant in disease. Therefore, it has been classified as a Variant of Uncertain Significance. Algorithms developed to predict the effect of missense changes on protein structure and function are either unavailable or do not agree on the potential impact of this missense change (SIFT: "Deleterious"; PolyPhen-2: "Benign"; Align-GVGD: "Class C0"). This variant has not been reported in the literature in individuals affected with NDUFB11-related conditions. This variant is present in population databases (no rsID available, gnomAD 0.001%). This sequence change replaces cysteine, which is neutral and slightly polar, with arginine, which is basic and polar, at codon 117 of the NDUFB11 protein (p.Cys117Arg).

Literature cited by the submitters: PubMed 38703036 (cited by Service de Génétique Médicale, Centre Hospitalier Universitaire de Nice-Université Côte d'Azur).

NM_001135998.3(NDUFB11):c.338+11T>C

Gene: NDUFB11 (NADH:ubiquinone oxidoreductase subunit B11; minus strand). Cytogenetic location: Xp11.3.
Variant type: single nucleotide variant.
Coding change: c.338+11T>C on transcript NM_001135998.3 (MANE Select); 11 bases into the intron after coding-DNA position 338, T replaced by C.
Molecular consequence: intron variant. On other transcripts: missense variant (1).
Genome position (GRCh38, 1-based): chrX:47,142,603, A>G on the plus strand (T>C on the coding strand, the complement: NDUFB11 is on the minus strand). VCF-style: chrX-47142603-A-G. GRCh37 (hg19) VCF-style: chrX-47002002-A-G.
Other names: c.349T>C, p.Cys117Arg (NM_019056.7); short protein forms C117R.
Identifiers: ClinVar variation 1919336 (VCV001919336.6), dbSNP rs1556760660, ClinGen allele CA412780375.